The following is an entry in ClinVar:

NM_000093.5(COL5A1):c.16C>G (p.Arg6Gly)

Gene: COL5A1 (collagen type V alpha 1 chain; plus strand). Cytogenetic location: 9q34.3.
Variant type: single nucleotide variant.
Coding change: c.16C>G on transcript NM_000093.5 (MANE Select); coding-DNA position 16, C replaced by G.
Protein change: p.Arg6Gly; replaces arginine 6 with glycine.
Molecular consequence: missense variant.
Genome position (GRCh38, 1-based): chr9:134,642,203, C>G. VCF-style: chr9-134642203-C-G. GRCh37 (hg19) VCF-style: chr9-137534049-C-G.
Other names: c.16C>G, p.Arg6Gly (NM_001278074.1); short protein forms R6G.
Identifiers: ClinVar variation 841171 (VCV000841171.11), dbSNP rs1460929040, ClinGen allele CA375443786.

ClinVar aggregate classification (germline): Uncertain significance (1 of 4 stars; one submission).

Conditions:
Ehlers-Danlos syndrome, classic type, 1 (EDSCL1). Also called: Ehlers-Danlos syndrome, type 1; Ehlers-Danlos Syndrome, Classic Type, COL5A1-Related; EDS I; EHLERS-DANLOS SYNDROME, GRAVIS TYPE; EHLERS-DANLOS SYNDROME, SEVERE CLASSIC TYPE. Identifiers: MedGen C0268335, MONDO:0019567, OMIM 130000.

Allele frequency attached by ClinVar (database versions not stated): TOPMed below 0.00001; gnomAD 0.00001.
gnomAD v4.1: 1 of 1,304,688 alleles (0.000077%); highest among the groups gnomAD compares: Non-Finnish European, 0.000098%; no homozygotes.

Submission:

Labcorp Genetics (formerly Invitae), Labcorp
Classification: Uncertain significance for Ehlers-Danlos syndrome, classic type, 1. Last evaluated: 2019-01-05. Review status: criteria provided, single submitter. Criteria: Invitae Variant Classification Sherloc (09022015). Collection method: clinical testing. Allele origin: germline.
Comment: This sequence change replaces arginine with glycine at codon 6 of the COL5A1 protein (p.Arg6Gly). The arginine residue is weakly conserved and there is a moderate physicochemical difference between arginine and glycine. In summary, the available evidence is currently insufficient to determine the role of this variant in disease. Therefore, it has been classified as a Variant of Uncertain Significance. Algorithms developed to predict the effect of missense changes on protein structure and function are either unavailable or do not agree on the potential impact of this missense change (SIFT: "Deleterious"; PolyPhen-2: "Probably Damaging"; Align-GVGD: "Class C0"). This variant has not been reported in the literature in individuals with COL5A1-related conditions. The frequency data for this variant in the population databases is considered unreliable, as metrics indicate insufficient coverage at this position in the ExAC database.